The following is an entry in ClinVar:

ClinVar aggregate classification (germline): Uncertain significance (1 of 4 stars; one submission).

gnomAD v4.1: 12 of 1,614,096 alleles (0.00074%); highest among the groups gnomAD compares: Non-Finnish European, 0.001%; no homozygotes.

Submission:

Labcorp Genetics (formerly Invitae), Labcorp
Classification: Uncertain significance. Last evaluated: 2025-06-22. Review status: criteria provided, single submitter. Criteria: Invitae Variant Classification Sherloc (09022015). Collection method: clinical testing. Allele origin: germline.
Comment: This sequence change replaces arginine, which is basic and polar, with glutamine, which is neutral and polar, at codon 1788 of the TCF20 protein (p.Arg1788Gln). This variant is present in population databases (rs140164790, gnomAD 0.0009%). This variant has not been reported in the literature in individuals affected with TCF20-related conditions. ClinVar contains an entry for this variant (Variation ID: 3670895). An algorithm developed to predict the effect of missense changes on protein structure and function (PolyPhen-2) suggests that this variant is likely to be disruptive. In summary, the available evidence is currently insufficient to determine the role of this variant in disease. Therefore, it has been classified as a Variant of Uncertain Significance.

NM_001378418.1(TCF20):c.5363G>A (p.Arg1788Gln)

Gene: TCF20 (transcription factor 20; minus strand). Cytogenetic location: 22q13.2.
Variant type: single nucleotide variant.
Coding change: c.5363G>A on transcript NM_001378418.1 (MANE Select); coding-DNA position 5363, G replaced by A.
Protein change: p.Arg1788Gln; replaces arginine 1788 with glutamine.
Molecular consequence: missense variant.
Genome position (GRCh38, 1-based): chr22:42,209,943, C>T on the plus strand (G>A on the coding strand, the complement: TCF20 is on the minus strand). VCF-style: chr22-42209943-C-T. GRCh37 (hg19) VCF-style: chr22-42605949-C-T.
Other names: c.5363G>A, p.Arg1788Gln (NM_005650.4, NM_181492.3); short protein forms R1788Q.
Identifiers: ClinVar variation 3670895 (VCV003670895.2).
Genomic context (GRCh38, chr22:42,209,943, plus strand): 5'-CAAGGGAGCCCCCTGGACAGGGACCGAGGGCCTCCACCACAGTCTTCCGAGCGGTGGCGC[C>T]GCTTAAACCTGGGGTGTGCGGCCAGGCTTCTCTGCTCCTTCTGCTGCTGCTGCTGCTCTT-3'
Protein context (NP_001365347.1, residues 1778-1798): RSLAAHPRFK[Arg1788Gln]RHRSEDCGGG